The following is an entry in ClinVar:

NM_000051.4(ATM):c.2561C>G (p.Ser854Cys)

Gene: ATM (ATM serine/threonine kinase; plus strand). Cytogenetic location: 11q22.3.
Variant type: single nucleotide variant.
Coding change: c.2561C>G on transcript NM_000051.4 (MANE Select); coding-DNA position 2561, C replaced by G.
Protein change: p.Ser854Cys; replaces serine 854 with cysteine.
Molecular consequence: missense variant.
Genome position (GRCh38, 1-based): chr11:108,267,265, C>G. VCF-style: chr11-108267265-C-G. GRCh37 (hg19) VCF-style: chr11-108137992-C-G.
Other names: c.2561C>G, p.Ser854Cys (NM_001351834.2); short protein forms S854C.
Identifiers: ClinVar variation 478965 (VCV000478965.5), dbSNP rs778123895, ClinGen allele CA382543802.

ClinVar aggregate classification (germline): Uncertain significance (1 of 4 stars; one submission).

Conditions:
Hereditary cancer-predisposing syndrome. Also called: Neoplastic Syndromes, Hereditary; Hereditary Cancer Syndrome; Hereditary neoplastic syndrome; Tumor predisposition. Identifiers: Orphanet 140162, MedGen C0027672, MeSH D009386, MONDO:0015356.

Submission:

Ambry Genetics
Classification: Uncertain significance for Hereditary cancer-predisposing syndrome. Last evaluated: 2016-04-04. Review status: criteria provided, single submitter. Criteria: Ambry Variant Classification Scheme 2023. Collection method: clinical testing. Allele origin: germline.
Comment: The p.S854C variant (also known as c.2561C>G), located in coding exon 16 of the ATM gene, results from a C to G substitution at nucleotide position 2561. The serine at codon 854 is replaced by cysteine, an amino acid with dissimilar properties. This variant was not reported in population based cohorts in the following databases: Database of Single Nucleotide Polymorphisms (dbSNP), NHLBI Exome Sequencing Project (ESP), and 1000 Genomes Project. In the ESP, this variant was not observed in 6499 samples (12998 alleles) with coverage at this position. To date, this alteration has been detected with an allele frequency of approximately 0.001% (greater than 125000 alleles tested) in our clinical cohort. This amino acid position is not well conserved in available vertebrate species. In addition, this alteration is predicted to be tolerated by in silico analysis. Since supporting evidence is limited at this time, the clinical significance of this alteration remains unclear.